The following is an entry in ClinVar:

ClinVar aggregate classification (germline): Likely benign (1 of 4 stars; one submission).

Submission:

Center for Genomic Medicine, Rigshospitalet, Copenhagen University Hospital
Classification: Likely benign. Last evaluated: 2025-12-29. Review status: criteria provided, single submitter. Criteria: ACMG Guidelines, 2015. Collection method: clinical testing. Allele origin: germline.
Comment: Classification criteria: BP4, BP7

NM_007294.4(BRCA1):c.441+35_441+51del

Gene: BRCA1 (BRCA1 DNA repair associated; minus strand). Cytogenetic location: 17q21.31.
Variant type: Deletion.
Coding change: c.441+35_441+51del on transcript NM_007294.4 (MANE Select); bases 35 to 51 of the intron after coding-DNA position 441, 17 bases deleted (TCTTTTCTTTTTTTTTT).
Molecular consequence: intron variant.
Genome position (GRCh38, 1-based): chr17:43,104,071-43,104,087, AAAAAAAAAAGAAAAGA deleted on the plus strand (TCTTTTCTTTTTTTTTT on the coding strand, the reverse complement: BRCA1 is on the minus strand); deleting any 17 consecutive bases within chr17:43,104,071-43,104,088 gives the same sequence; the c. name uses the placement nearest the transcript's 3' end. VCF-style (leftmost placement, unchanged base first): chr17-43104070-GAAAAAAAAAAGAAAAGA-G. GRCh37 (hg19) VCF-style: chr17-41256087-GAAAAAAAAAAGAAAAGA-G.
Other names: c.300+35_300+51del (NM_001408499.1, NM_001407933.1, NM_001407927.1 and 99 more transcripts); c.441+35_441+51del (NM_001408422.1, NM_001408450.1, NM_001408434.1 and 164 more transcripts); c.231+35_231+51del (NM_001407896.1, NM_001407900.1, NM_001407952.1 and 58 more transcripts); c.363+35_363+51del (NM_001407874.1, NM_001408416.1, NM_001408414.1 and 21 more transcripts); c.60+35_60+51del (NM_001407965.1, NM_001407959.1, NM_001407962.1 and 4 more transcripts); c.-218-9227_-218-9211del (NM_001407967.1, NM_001407966.1); c.309+35_309+51del (NM_001408451.1); c.432+35_432+51del (NM_001408408.1, NM_001407647.1, NM_001407646.1).
Identifiers: ClinVar variation 4539190 (VCV004539190.1).